The following is an entry in ClinVar:

NM_006214.4(PHYH):c.497-2A>G

Gene: PHYH (phytanoyl-CoA 2-hydroxylase; minus strand). Cytogenetic location: 10p13.
Variant type: single nucleotide variant.
Coding change: c.497-2A>G on transcript NM_006214.4 (MANE Select); the canonical splice acceptor site of the intron before coding-DNA position 497, A replaced by G.
Molecular consequence: splice acceptor variant. On other transcripts: intron variant (1).
Genome position (GRCh38, 1-based): chr10:13,288,543, T>C on the plus strand (A>G on the coding strand, the complement: PHYH is on the minus strand). VCF-style: chr10-13288543-T-C. GRCh37 (hg19) VCF-style: chr10-13330543-T-C.
Other names: c.415-4704A>G (NM_001323083.2); c.503-2A>G (NM_001323082.2); c.197-2A>G (NM_001037537.2, NM_001323080.2); c.203-2A>G (NM_001323084.2).
Identifiers: ClinVar variation 853270 (VCV000853270.18), dbSNP rs144169488, ClinGen allele CA5412331.

ClinVar aggregate classification (germline): Pathogenic/Likely pathogenic. Review status: criteria provided, multiple submitters, no conflicts (2 of 4 stars). 6 submissions from 6 submitters: Pathogenic (2); Likely pathogenic (4). Last evaluated 2026-09-03.

Conditions:
Refsum disease, classic. Also called: PHYH-Related Refsum Disease; HEREDOPATHIA ATACTICA POLYNEURITIFORMIS; HMSN IV; PHYTANIC ACID OXIDASE DEFICIENCY. Identifiers: Orphanet 773, MedGen C5780941, MONDO:1060256, OMIM 266500. Disease mechanism: loss of function.
PHYH-related disorder. Also called: PHYH-related condition.

Allele frequency attached by ClinVar (database versions not stated): gnomAD 0.00003 and 0.00004; ExAC 0.00002; TOPMed 0.00004; gnomAD exomes 0.00003 and 0.00002; ESP Exome Variant Server 0.00015.
gnomAD v4.1: 49 of 1,613,578 alleles (0.003%); highest among the groups gnomAD compares: Non-Finnish European, 0.004%; no homozygotes.

Submissions (6):

PreventionGenetics, part of Exact Sciences
Classification: Likely pathogenic for PHYH-related condition. Last evaluated: 2026-09-03. Review status: criteria provided, single submitter. Criteria: ACMG Guidelines, 2015. Collection method: clinical testing. Allele origin: germline.
Comment: The PHYH c.497-2A>G variant is predicted to disrupt the AG splice acceptor site and interfere with normal splicing. This variant has been reported in the homozygous state in an individual with Refsum disease (Jansen et al. 2004. PubMed ID: 14974078). This variant is reported in 0.0040% of alleles in individuals of African descent in gnomAD. Variants that disrupt the consensus splice acceptor site in PHYH are expected to be pathogenic. This variant is interpreted as likely pathogenic.

GeneDx
Classification: Likely pathogenic. Last evaluated: 2025-04-09. Review status: criteria provided, single submitter. Criteria: GeneDx Variant Classification Process June 2021. Collection method: clinical testing. Allele origin: germline. Affected: yes.
Comment: Canonical splice site variant predicted to result in a null allele in a gene for which loss of function is a known mechanism of disease; Not observed at significant frequency in large population cohorts (gnomAD); This variant is associated with the following publications: (PMID: 14974078, 37009079, 31964843)

Labcorp Genetics (formerly Invitae), Labcorp
Classification: Likely pathogenic. Last evaluated: 2024-11-05. Review status: criteria provided, single submitter. Criteria: Invitae Variant Classification Sherloc (09022015). Collection method: clinical testing. Allele origin: germline.
Comment: This sequence change affects an acceptor splice site in intron 5 of the PHYH gene. It is expected to disrupt RNA splicing. Variants that disrupt the donor or acceptor splice site typically lead to a loss of protein function (PMID: 16199547), and loss-of-function variants in PHYH are known to be pathogenic (PMID: 9326940, 14974078). This variant is present in population databases (rs144169488, gnomAD 0.004%). Disruption of this splice site has been observed in individual(s) with Refsum disease (PMID: 14974078). ClinVar contains an entry for this variant (Variation ID: 853270). Algorithms developed to predict the effect of sequence changes on RNA splicing suggest that this variant may disrupt the consensus splice site. In summary, the currently available evidence indicates that the variant is pathogenic, but additional data are needed to prove that conclusively. Therefore, this variant has been classified as Likely Pathogenic.

Baylor Genetics
Classification: Pathogenic for Refsum disease, classic. Last evaluated: 2023-11-10. Review status: criteria provided, single submitter. Criteria: ACMG Guidelines, 2015. Collection method: clinical testing. Allele origin: unknown.

Blueprint Genetics
Classification: Pathogenic for PHYH-related disorders. Last evaluated: 2022-11-08. Review status: criteria provided, single submitter. Criteria: ACMG Guidelines, 2015. Collection method: clinical testing. Allele origin: germline. Affected: yes. Observed: 5 variant alleles.

Revvity Omics, Revvity
Classification: Likely pathogenic for Refsum disease, classic. Last evaluated: 2022-03-10. Review status: criteria provided, single submitter. Criteria: ACMG Guidelines, 2015. Collection method: clinical testing. Allele origin: germline.

Literature cited by the submitters: PubMed 16199547 (cited by Labcorp Genetics (formerly Invitae), Labcorp); PubMed 9326940 (cited by Labcorp Genetics (formerly Invitae), Labcorp); PubMed 14974078 (cited by Labcorp Genetics (formerly Invitae), Labcorp).